The following is an entry in ClinVar:

ClinVar aggregate classification (germline): Uncertain significance (1 of 4 stars; one submission).

Conditions:
Hereditary cancer-predisposing syndrome. Also called: Tumor predisposition; Neoplastic Syndromes, Hereditary; Hereditary neoplastic syndrome; Hereditary Cancer Syndrome. Identifiers: Orphanet 140162, MedGen C0027672, MeSH D009386, MONDO:0015356.

Submission:

Ambry Genetics
Classification: Uncertain significance for Hereditary cancer-predisposing syndrome. Last evaluated: 2025-07-19. Review status: criteria provided, single submitter. Criteria: Ambry Variant Classification Scheme 2023. Collection method: clinical testing. Allele origin: germline.
Comment: The p.N268D variant (also known as c.802A>G), located in coding exon 5 of the KIT gene, results from an A to G substitution at nucleotide position 802. The asparagine at codon 268 is replaced by aspartic acid, an amino acid with highly similar properties. This amino acid position is conserved. In addition, this alteration is predicted to be tolerated by in silico analysis. Based on the available evidence, the clinical significance of this variant remains unclear.

NM_000222.3(KIT):c.802A>G (p.Asn268Asp)

Gene: KIT (KIT proto-oncogene, receptor tyrosine kinase; plus strand). Cytogenetic location: 4q12.
Variant type: single nucleotide variant.
Coding change: c.802A>G on transcript NM_000222.3 (MANE Select); coding-DNA position 802, A replaced by G.
Protein change: p.Asn268Asp; replaces asparagine 268 with aspartic acid.
Molecular consequence: missense variant.
Genome position (GRCh38, 1-based): chr4:54,703,769, A>G. VCF-style: chr4-54703769-A-G. GRCh37 (hg19) VCF-style: chr4-55569935-A-G.
Other names: c.802A>G, p.Asn268Asp (NM_001093772.2, NM_001385285.1, NM_001385286.1); c.805A>G, p.Asn269Asp (NM_001385284.1, NM_001385288.1, NM_001385290.1 and 1 more transcripts); short protein forms N269D, N268D.
Identifiers: ClinVar variation 4093182 (VCV004093182.1).
Genomic context (GRCh38, chr4:54,703,769, plus strand): 5'-TTCTGAAACCAGCAGACTAAACTACAGGAGAAATATAATAGCTGGCATCACGGTGACTTC[A>G]ATTATGAACGTCAGGCAACGTTGACTATCAGTTCAGCGAGAGTTAATGATTCTGGAGTGT-3'
Protein context (NP_000213.1, residues 258-278): KYNSWHHGDF[Asn268Asp]YERQATLTIS